The following is an entry in ClinVar:

ClinVar aggregate classification (germline): Uncertain significance (1 of 4 stars; one submission).

Submission:

Labcorp Genetics (formerly Invitae), Labcorp
Classification: Uncertain significance. Last evaluated: 2024-01-22. Review status: criteria provided, single submitter. Criteria: Invitae Variant Classification Sherloc (09022015). Collection method: clinical testing. Allele origin: germline.
Comment: This sequence change falls in intron 19 of the PHEX gene. It does not directly change the encoded amino acid sequence of the PHEX protein. It affects a nucleotide within the consensus splice site. This variant is not present in population databases (gnomAD no frequency). This variant has been observed in individual(s) with hypophosphatemic rickets (Invitae). Variants that disrupt the consensus splice site are a relatively common cause of aberrant splicing (PMID: 17576681, 9536098). Algorithms developed to predict the effect of sequence changes on RNA splicing suggest that this variant may disrupt the consensus splice site. In summary, the available evidence is currently insufficient to determine the role of this variant in disease. Therefore, it has been classified as a Variant of Uncertain Significance.

Literature cited by the submitters: PubMed 17576681; PubMed 9536098.

NM_000444.6(PHEX):c.1965+3del

Genes: PHEX (phosphate regulating endopeptidase X-linked; plus strand), PTCHD1-AS (PTCHD1 and PHEX antisense RNA; minus strand). Cytogenetic location: Xp22.11.
Variant type: Deletion.
Coding change: c.1965+3del on transcript NM_000444.6 (MANE Select); 3 bases into the intron after coding-DNA position 1965, one base deleted (A; older notation c.1965+3delA).
Molecular consequence: intron variant.
Genome position (GRCh38, 1-based): chrX:22,226,511, A deleted. VCF-style (leftmost placement, unchanged base first): chrX-22226510-TA-T. GRCh37 (hg19) VCF-style: chrX-22244627-TA-T.
Other names: c.1965+3del (NM_001282754.2).
Identifiers: ClinVar variation 2695522 (VCV002695522.3), dbSNP rs2537238680, ClinGen allele CA2697552909.
Genomic context (GRCh38, chrX:22,226,510, plus strand): 5'-GGAAGAGGACCCTGGGAGAAAATATTGCTGATAATGGAGGCCTGCGGGAAGCTTTTAGGG[TA>T]TGCGCTGCTACATTTACCGTGGTTCTAAAAATCAAGCCATAAAACACCATATGGGGGTAC-3'